The following is an entry in ClinVar:

NM_005633.4(SOS1):c.1940+3C>T

Gene: SOS1 (SOS Ras/Rac guanine nucleotide exchange factor 1; minus strand). Cytogenetic location: 2p22.1.
Variant type: single nucleotide variant.
Coding change: c.1940+3C>T on transcript NM_005633.4 (MANE Select); 3 bases into the intron after coding-DNA position 1940, C replaced by T.
Molecular consequence: intron variant.
Genome position (GRCh38, 1-based): chr2:39,014,762, G>A on the plus strand (C>T on the coding strand, the complement: SOS1 is on the minus strand). VCF-style: chr2-39014762-G-A. GRCh37 (hg19) VCF-style: chr2-39241903-G-A.
Other names: c.1919+3C>T (NM_001382394.1); c.1940+3C>T (NM_001382395.1).
Identifiers: ClinVar variation 4864932 (VCV004864932.1).

ClinVar aggregate classification (germline): Uncertain significance (1 of 4 stars; one submission).

Conditions:
Cardiovascular phenotype. Identifiers: MedGen CN230736.

Submission:

Ambry Genetics
Classification: Uncertain significance for Cardiovascular phenotype. Last evaluated: 2026-03-24. Review status: criteria provided, single submitter. Criteria: Ambry Variant Classification Scheme 2023. Collection method: clinical testing. Allele origin: germline.
Comment: The c.1940+3C>T intronic variant results from a C to T substitution 3 nucleotides after coding exon 11 in the SOS1 gene. This nucleotide position is not well conserved in available vertebrate species. In silico splice site analysis predicts that this alteration will not have any significant effect on splicing. Based on the available evidence, the clinical significance of this variant remains unclear.